The following is an entry in ClinVar:

NM_002936.6(RNASEH1):c.245-11_245-10del

Gene: RNASEH1 (ribonuclease H1; minus strand). Cytogenetic location: 2p25.3.
Variant type: Deletion.
Coding change: c.245-11_245-10del on transcript NM_002936.6 (MANE Select); 11 bases into the intron before coding-DNA position 245 through 10 bases into the intron before coding-DNA position 245, 2 bases deleted (TT; older notation c.245-11_245-10delTT).
Molecular consequence: intron variant.
Genome position (GRCh38, 1-based): chr2:3,552,318-3,552,319, AA deleted on the plus strand (TT on the coding strand, the reverse complement: RNASEH1 is on the minus strand). VCF-style (leftmost placement, unchanged base first): chr2-3552317-CAA-C. GRCh37 (hg19) VCF-style: chr2-3599907-CAA-C.
Other names: c.245-11_245-10del (NM_001378272.1, NM_001378273.1, NM_001378271.1); c.167-11_167-10del (NM_001286834.3); c.-107-11_-107-10del (NM_001286837.3).
Identifiers: ClinVar variation 1572873 (VCV001572873.10), dbSNP rs373975070, ClinGen allele CA1516357.

ClinVar aggregate classification (germline): Conflicting classifications of pathogenicity. Review status: criteria provided, conflicting classifications (1 of 4 stars). 2 submissions from 2 submitters: Uncertain significance (1); Likely benign (1). Last evaluated 2026-02-24.

Allele frequency attached by ClinVar (database versions not stated): gnomAD exomes 0.00024 and 0.00035; ExAC 0.00025; gnomAD 0.00027; TOPMed 0.00023; ESP Exome Variant Server 0.00056.

Submissions (4):

GeneDx
Classification: Uncertain significance. Last evaluated: 2026-02-24. Review status: criteria provided, single submitter. Criteria: GeneDx Variant Classification Process June 2021. Collection method: clinical testing. Allele origin: germline.
Comment: Has not been previously published as pathogenic or benign to our knowledge; In silico analysis is inconclusive as to whether the variant alters gene splicing. In the absence of RNA/functional studies, the actual effect of this sequence change is unknown.

Labcorp Genetics (formerly Invitae), Labcorp
Classification: Likely benign. Last evaluated: 2026-01-01. Review status: criteria provided, single submitter. Criteria: Invitae Variant Classification Sherloc (09022015). Collection method: clinical testing. Allele origin: germline.

Dr. Peter K. Rogan Lab, Western University
No classification provided (evidence only). Condition: Malignant tumor of esophagus. Review status: no classification provided. Collection method: in vitro. Allele origin: not applicable. Functional consequence: retained intron. Not counted in ClinVar's aggregate classification.

Dr. Peter K. Rogan Lab, Western University
No classification provided (evidence only). Condition: Ovarian cancer. Review status: no classification provided. Collection method: in vitro. Allele origin: not applicable. Functional consequence: retained intron. Not counted in ClinVar's aggregate classification.